The following is an entry in ClinVar:

NM_002691.4(POLD1):c.884_885del (p.Val295fs)

Gene: POLD1 (DNA polymerase delta 1, catalytic subunit; plus strand). Cytogenetic location: 19q13.33.
Variant type: Deletion.
Coding change: c.884_885del on transcript NM_002691.4 (MANE Select); coding-DNA positions 884 to 885, 2 bases deleted (TG; older notation c.884_885delTG).
Protein change: p.Val295fs; shifts the reading frame from valine 295.
Molecular consequence: frameshift variant. On other transcripts: non-coding transcript variant (1).
Genome position (GRCh38, 1-based): chr19:50,402,655-50,402,656, TG deleted; deleting any 2 consecutive bases within chr19:50,402,654-50,402,656 gives the same sequence; the c. name uses the placement nearest the transcript's 3' end. VCF-style (leftmost placement, unchanged base first): chr19-50402653-CGT-C. GRCh37 (hg19) VCF-style: chr19-50905910-CGT-C.
Other names: c.884_885del, p.Val295fs (NM_001256849.1, NM_001308632.1); short protein forms V295fs.
Identifiers: ClinVar variation 834685 (VCV000834685.9), dbSNP rs2038699519, ClinGen allele CA916082470.
Genomic context (GRCh38, chr19:50,402,653, plus strand): 5'-GACCCACCCATGCCCACAGGCTACGCAGTGCCAGCTGGAGGCGGACGTGCTGTGGTCTGA[CGT>C]GGTCAGTCACCCACCGGAAGGGCCATGGCAGCGCATTGCGCCCTTGCGCGTGCTCAGCTT-3'

ClinVar aggregate classification (germline): Uncertain significance (1 of 4 stars; one submission).

Conditions:
POLD1-related polyposis and colorectal cancer syndrome (CRCS10). Also called: Colorectal cancer 10; COLORECTAL CANCER, SUSCEPTIBILITY TO, ON CHROMOSOME 19q; Colorectal cancer, susceptibility to, 10. Identifiers: Orphanet 220460, MedGen C2675481, MONDO:0012953, OMIM 612591.

Submission:

Labcorp Genetics (formerly Invitae), Labcorp
Classification: Uncertain significance for POLD1-related polyposis and colorectal cancer syndrome. Last evaluated: 2019-02-25. Review status: criteria provided, single submitter. Criteria: Invitae Variant Classification Sherloc (09022015). Collection method: clinical testing. Allele origin: germline.
Comment: Missense variants that disrupt the 3'-5' exonuclease (proof-reading) activity of the POLD1 protein, while not abolishing its polymerase enzyme activity, are associated with an increased risk for colonic adenomatous polyps and colon cancer (PMID: 23263490, 23447401). Loss-of-function truncating variants, which result in an absent or severely disrupted POLD1 protein, are therefore unlikely to be associated with disease. Without further clinical and genetic evidence, however, this variant has been classified as a Variant of Uncertain Significance. Algorithms developed to predict the effect of sequence changes on RNA splicing suggest that this variant may create or strengthen a splice site, but this prediction has not been confirmed by published transcriptional studies. This variant has not been reported in the literature in individuals with POLD1-related conditions. This variant is not present in population databases (ExAC no frequency). This sequence change creates a premature translational stop signal (p.Val295Glyfs*33) in the POLD1 gene. It is expected to result in an absent or disrupted protein product.

Literature cited by the submitters: PubMed 23263490; PubMed 23447401.